The following is an entry in ClinVar:

ClinVar aggregate classification (germline): Likely benign (1 of 4 stars; one submission).

Conditions:
UGT1A1-related disorder. Also called: UGT1A1-related disorders; UGT1A1-related condition.

gnomAD v4.1: 2 of 1,614,238 alleles (0.00012%); highest among the groups gnomAD compares: Non-Finnish European, 0.00017%; no homozygotes.

Submission:

PreventionGenetics, part of Exact Sciences
Classification: Likely benign for UGT1A1-related condition. Last evaluated: 2026-04-10. Review status: criteria provided, single submitter. Criteria: ACMG Guidelines, 2015. Collection method: clinical testing. Allele origin: germline.
Comment: This variant is classified as likely benign based on ACMG/AMP sequence variant interpretation guidelines (Richards et al. 2015 PMID: 25741868, with internal and published modifications).

NM_000463.3(UGT1A1):c.234G>A (p.Thr78=)

Genes: UGT1A (UDP glucuronosyltransferase family 1 member A complex locus; plus strand), UGT1A1 (UDP glucuronosyltransferase family 1 member A1; plus strand), UGT1A10 (UDP glucuronosyltransferase family 1 member A10; plus strand), UGT1A3 (UDP glucuronosyltransferase family 1 member A3; plus strand), UGT1A4 (UDP glucuronosyltransferase family 1 member A4; plus strand) and 5 more. Cytogenetic location: 2q37.1.
Variant type: single nucleotide variant.
Coding change: c.234G>A on transcript NM_000463.3 (MANE Select); coding-DNA position 234, G replaced by A.
Protein change: p.Thr78=; no amino-acid change (threonine 78 retained).
Molecular consequence: synonymous variant. On other transcripts: intron variant (9).
Genome position (GRCh38, 1-based): chr2:233,760,521, G>A. VCF-style: chr2-233760521-G-A. GRCh37 (hg19) VCF-style: chr2-234669167-G-A.
Other names: c.856-6513G>A (NM_019076.5, NM_019075.4, NM_021027.3 and 1 more transcripts); c.61-6513G>A (NM_205862.3); c.862-6513G>A (NM_001072.4); c.868-6513G>A (NM_019078.2, NM_007120.3, NM_019093.4).
Identifiers: ClinVar variation 4988774 (VCV004988774.1).